The following is an entry in ClinVar:

NM_001458.5(FLNC):c.2201A>G (p.Lys734Arg)

Gene: FLNC (filamin C; plus strand). Cytogenetic location: 7q32.1.
Variant type: single nucleotide variant.
Coding change: c.2201A>G on transcript NM_001458.5 (MANE Select); coding-DNA position 2201, A replaced by G.
Protein change: p.Lys734Arg; replaces lysine 734 with arginine.
Molecular consequence: missense variant.
Genome position (GRCh38, 1-based): chr7:128,842,310, A>G. VCF-style: chr7-128842310-A-G. GRCh37 (hg19) VCF-style: chr7-128482364-A-G.
Other names: c.2201A>G, p.Lys734Arg (NM_001127487.2); short protein forms K734R.
Identifiers: ClinVar variation 641314 (VCV000641314.12), dbSNP rs1585157281, ClinGen allele CA369229147.

ClinVar aggregate classification (germline): Uncertain significance. Review status: criteria provided, multiple submitters, no conflicts (2 of 4 stars). 2 submissions from 2 submitters: Uncertain significance (2). Last evaluated 2025-02-10.

Conditions:
Cardiovascular phenotype. Identifiers: MedGen CN230736.
Myofibrillar myopathy 5. Also called: FILAMINOPATHY, AUTOSOMAL DOMINANT; Filaminopathy (type). Identifiers: Orphanet 171445, MedGen C1836050, MONDO:0012289, OMIM 609524.
Distal myopathy with posterior leg and anterior hand involvement. Also called: WILLIAMS DISTAL MYOPATHY. Identifiers: Orphanet 63273, MedGen C3279722, MONDO:0013550, OMIM 614065.
Hypertrophic cardiomyopathy 26. Also called: Cardiomyopathy, familial hypertrophic, 26. Identifiers: Orphanet 75249, MedGen C4310749, MONDO:0014883, OMIM 617047.

Allele frequency attached by ClinVar (database versions not stated): gnomAD exomes below 0.00001.

Submissions (2):

Ambry Genetics
Classification: Uncertain significance for Cardiovascular phenotype. Last evaluated: 2025-02-10. Review status: criteria provided, single submitter. Criteria: Ambry Variant Classification Scheme 2023. Collection method: clinical testing. Allele origin: germline.
Comment: The p.K734R variant (also known as c.2201A>G), located in coding exon 14 of the FLNC gene, results from an A to G substitution at nucleotide position 2201. The lysine at codon 734 is replaced by arginine, an amino acid with highly similar properties. This amino acid position is conserved. In addition, the in silico prediction for this alteration is inconclusive. Based on the available evidence, the clinical significance of this variant remains unclear.

Labcorp Genetics (formerly Invitae), Labcorp
Classification: Uncertain significance for Distal myopathy with posterior leg and anterior hand involvement; Myofibrillar myopathy 5; Hypertrophic cardiomyopathy 26. Last evaluated: 2021-06-02. Review status: criteria provided, single submitter. Criteria: Invitae Variant Classification Sherloc (09022015). Collection method: clinical testing. Allele origin: germline.
Comment: In summary, the available evidence is currently insufficient to determine the role of this variant in disease. Therefore, it has been classified as a Variant of Uncertain Significance. Algorithms developed to predict the effect of sequence changes on RNA splicing suggest that this variant may create or strengthen a splice site, but this prediction has not been confirmed by published transcriptional studies. Algorithms developed to predict the effect of missense changes on protein structure and function are either unavailable or do not agree on the potential impact of this missense change (SIFT: "Tolerated"; PolyPhen-2: "Probably Damaging"; Align-GVGD: "Class C0"). This variant has not been reported in the literature in individuals with FLNC-related conditions. This variant is not present in population databases (ExAC no frequency). This sequence change replaces lysine with arginine at codon 734 of the FLNC protein (p.Lys734Arg). The lysine residue is moderately conserved and there is a small physicochemical difference between lysine and arginine.